The following is an entry in ClinVar:

ClinVar aggregate classification (germline): Pathogenic/Likely pathogenic. Review status: criteria provided, multiple submitters, no conflicts (2 of 4 stars). 4 submissions from 4 submitters: Pathogenic (1); Likely pathogenic (3). Last evaluated 2026-02-19.

Conditions:
Retinal disorder. Also called: Retinopathy; Retinopathies; Retinal Diseases; Retinal disorders. Identifiers: MedGen C0035309, MONDO:0005283, HP:0000488.
Retinitis pigmentosa 45 (RP45). Identifiers: Orphanet 791, MedGen C3151066, MONDO:0013413, OMIM 613767.
CNGB1-related disorder. Also called: CNGB1-related condition.

Allele frequency attached by ClinVar (database versions not stated): ExAC 0.00003; gnomAD 0.00003 and 0.00004; TOPMed 0.00003; gnomAD exomes 0.00004 and 0.00017; ESP Exome Variant Server 0.00008.
gnomAD v4.1: 250 of 1,613,808 alleles (0.015%); highest among the groups gnomAD compares: Non-Finnish European, 0.021%; no homozygotes.

Submissions (4):

Genetics Laboratory, Great Ormond Street Hospital NHS Foundation Trust, North Thames Genomic Laboratory Hub
Classification: Pathogenic for Retinal disorders. Last evaluated: 2026-02-19. Review status: criteria provided, single submitter. Criteria: ACGS Best Practice Guidelines for Variant Classification in Rare Disease 2024 v1.2. Collection method: clinical testing. Allele origin: germline. Affected: yes.
Comment: PM2_moderate, PVS1_very-strong, PM3_moderate

Labcorp Genetics (formerly Invitae), Labcorp
Classification: Likely pathogenic. Last evaluated: 2025-09-04. Review status: criteria provided, single submitter. Criteria: Invitae Variant Classification Sherloc (09022015). Collection method: clinical testing. Allele origin: germline.
Comment: This sequence change affects a donor splice site in intron 8 of the CNGB1 gene. It is expected to disrupt RNA splicing. Variants that disrupt the donor or acceptor splice site typically lead to a loss of protein function (PMID: 16199547), and loss-of-function variants in CNGB1 are known to be pathogenic (PMID: 15557452, 24043777). This variant is present in population databases (rs200862689, gnomAD 0.009%). Disruption of this splice site has been observed in individual(s) with CNGB1-related conditions (PMID: 31570810, 33847019, 38219857). ClinVar contains an entry for this variant (Variation ID: 631755). Algorithms developed to predict the effect of sequence changes on RNA splicing suggest that this variant may disrupt the consensus splice site. In summary, the currently available evidence indicates that the variant is pathogenic, but additional data are needed to prove that conclusively. Therefore, this variant has been classified as Likely Pathogenic.

Fulgent Genetics
Classification: Likely pathogenic for Retinitis pigmentosa 45. Last evaluated: 2024-02-28. Review status: criteria provided, single submitter. Criteria: ACMG Guidelines, 2015. Collection method: clinical testing. Allele origin: germline.

Blueprint Genetics
Classification: Likely pathogenic for CNGB1-related disorders. Last evaluated: 2023-03-16. Review status: criteria provided, single submitter. Criteria: ACMG Guidelines, 2015. Collection method: clinical testing. Allele origin: germline. Affected: yes. Observed: 5 variant alleles.

Literature cited by the submitters: PubMed 16199547 (cited by Labcorp Genetics (formerly Invitae), Labcorp); PubMed 15557452 (cited by Labcorp Genetics (formerly Invitae), Labcorp); PubMed 24043777 (cited by Labcorp Genetics (formerly Invitae), Labcorp); PubMed 31570810 (cited by Labcorp Genetics (formerly Invitae), Labcorp); PubMed 33847019 (cited by Labcorp Genetics (formerly Invitae), Labcorp); PubMed 38219857 (cited by Labcorp Genetics (formerly Invitae), Labcorp).

NM_001297.5(CNGB1):c.534+1G>A

Gene: CNGB1 (cyclic nucleotide gated channel subunit beta 1; minus strand). Cytogenetic location: 16q21.
Variant type: single nucleotide variant.
Coding change: c.534+1G>A on transcript NM_001297.5 (MANE Select); the canonical splice donor site of the intron after coding-DNA position 534, G replaced by A.
Molecular consequence: splice donor variant.
Genome position (GRCh38, 1-based): chr16:57,960,839, C>T on the plus strand (G>A on the coding strand, the complement: CNGB1 is on the minus strand). VCF-style: chr16-57960839-C-T. GRCh37 (hg19) VCF-style: chr16-57994743-C-T.
Other names: c.534+1G>A (NM_001286130.2, NM_001135639.2).
Identifiers: ClinVar variation 631755 (VCV000631755.13), dbSNP rs200862689, ClinGen allele CA8083788.
Genomic context (GRCh38, chr16:57,960,839, plus strand): 5'-CCTGGGGCCCCAGAAGCCCCCCCATATACTCAACTCCCTGCCTCTCCCTTCCTTGGCTCA[C>T]CTCAGAGGATTTGGGGGGCTGAGGAAGCACTCTTTCCAGATTCTGCTCCAGCCACAGAAG-3'